The following is an entry in ClinVar:

NM_004311.4(ARL3):c.446G>A (p.Arg149His)

Gene: ARL3 (ARF like GTPase 3; minus strand). Cytogenetic location: 10q24.32.
Variant type: single nucleotide variant.
Coding change: c.446G>A on transcript NM_004311.4 (MANE Select); coding-DNA position 446, G replaced by A.
Protein change: p.Arg149His; replaces arginine 149 with histidine.
Molecular consequence: missense variant.
Genome position (GRCh38, 1-based): chr10:102,685,871, C>T on the plus strand (G>A on the coding strand, the complement: ARL3 is on the minus strand). VCF-style: chr10-102685871-C-T. GRCh37 (hg19) VCF-style: chr10-104445628-C-T.
Other names: short protein forms R149H.
Identifiers: ClinVar variation 424963 (VCV000424963.46), dbSNP rs770782663, ClinGen allele CA5668428.
Genomic context (GRCh38, chr10:102,685,871, plus strand): 5'-CTCACCTGAACGCCCTCTCCTGTGAGAGCTGAGCAAGACTGGATCTGCCAGACTCGGTCG[C>T]GGATGGTATGCAGGTTCAGTCCTTCTGCAATTTCAGAGGCAGGGGCTGCTGTGAGCAAAT-3'
Protein context (NP_004302.1, residues 139-159): IAEGLNLHTI[Arg149His]DRVWQIQSCS

ClinVar aggregate classification (germline): Conflicting classifications of pathogenicity. Review status: criteria provided, conflicting classifications (1 of 4 stars). 3 submissions from 3 submitters: Pathogenic (1); Uncertain significance (1). 1 of the submissions does not count toward it. Last evaluated 2023-03-10.

Conditions:
Joubert syndrome 35. Identifiers: MedGen C4748442, MONDO:0032570, OMIM 618161.

Allele frequency attached by ClinVar (database versions not stated): gnomAD exomes below 0.00001; TOPMed below 0.00001; ExAC 0.00001.

Submissions (3):

Labcorp Genetics (formerly Invitae), Labcorp
Classification: Pathogenic. Last evaluated: 2023-03-10. Review status: criteria provided, single submitter. Criteria: Invitae Variant Classification Sherloc (09022015). Collection method: clinical testing. Allele origin: germline.
Comment: ClinVar contains an entry for this variant (Variation ID: 424963). This sequence change replaces arginine, which is basic and polar, with histidine, which is basic and polar, at codon 149 of the ARL3 protein (p.Arg149His). This variant is present in population databases (rs770782663, gnomAD 0.003%). This missense change has been observed in individual(s) with Joubert syndrome (PMID: 30269812). It has also been observed to segregate with disease in related individuals. An algorithm developed to predict the effect of missense changes on protein structure and function (PolyPhen-2) suggests that this variant is likely to be disruptive. For these reasons, this variant has been classified as Pathogenic.

CeGaT Center for Human Genetics Tuebingen
Classification: Uncertain significance. Last evaluated: 2016-09-01. Review status: criteria provided, single submitter. Criteria: CeGaT Center For Human Genetics Tuebingen Variant Classification Criteria Version 2. Collection method: clinical testing. Allele origin: germline. Affected: yes. Observed: 1 variant allele.

OMIM
Classification: Pathogenic for JOUBERT SYNDROME 35. Last evaluated: 2018-10-30. Review status: no assertion criteria provided. Collection method: literature only. Allele origin: germline. Not counted in ClinVar's aggregate classification.

Literature cited by the submitters: PubMed 30269812 (cited by Labcorp Genetics (formerly Invitae), Labcorp and OMIM).